The following is an entry in ClinVar:

ClinVar aggregate classification (germline): Pathogenic (1 of 4 stars; one submission).

Submission:

Labcorp Genetics (formerly Invitae), Labcorp
Classification: Pathogenic. Last evaluated: 2023-06-20. Review status: criteria provided, single submitter. Criteria: Invitae Variant Classification Sherloc (09022015). Collection method: clinical testing. Allele origin: germline.
Comment: This sequence change creates a premature translational stop signal (p.Tyr207*) in the LRPPRC gene. It is expected to result in an absent or disrupted protein product. Loss-of-function variants in LRPPRC are known to be pathogenic (PMID: 26510951). This variant is not present in population databases (gnomAD no frequency). This variant has not been reported in the literature in individuals affected with LRPPRC-related conditions. For these reasons, this variant has been classified as Pathogenic.

Literature cited by the submitters: PubMed 26510951.

NM_133259.4(LRPPRC):c.621T>A (p.Tyr207Ter)

Gene: LRPPRC (leucine rich pentatricopeptide repeat containing; minus strand). Cytogenetic location: 2p21.
Variant type: single nucleotide variant.
Coding change: c.621T>A on transcript NM_133259.4 (MANE Select); coding-DNA position 621, T replaced by A.
Protein change: p.Tyr207Ter; replaces tyrosine 207 with a stop codon.
Molecular consequence: nonsense.
Genome position (GRCh38, 1-based): chr2:43,977,023, A>T on the plus strand (T>A on the coding strand, the complement: LRPPRC is on the minus strand). VCF-style: chr2-43977023-A-T. GRCh37 (hg19) VCF-style: chr2-44204162-A-T.
Other names: short protein forms Y207*.
Identifiers: ClinVar variation 2719679 (VCV002719679.3), dbSNP rs1674088052, ClinGen allele CA346675613.